The following is an entry in ClinVar:

ClinVar aggregate classification (germline): Pathogenic/Likely pathogenic. Review status: criteria provided, multiple submitters, no conflicts (2 of 4 stars). 2 submissions from 2 submitters: Pathogenic (1); Likely pathogenic (1). Last evaluated 2025-07-16.

Conditions:
Autosomal recessive nonsyndromic hearing loss 30. Identifiers: Orphanet 90636, MedGen C1846784, MONDO:0011774, OMIM 607101.

Submissions (2):

Variantyx, Inc.
Classification: Likely pathogenic for Autosomal recessive nonsyndromic hearing loss 30. Last evaluated: 2025-07-16. Review status: criteria provided, single submitter. Criteria: Variantyx Assertion Criteria 2022. Collection method: clinical testing. Allele origin: germline. Inheritance: Autosomal recessive inheritance.
Comment: This is a frameshift variant in the MYO3A gene (OMIM: 606808). Pathogenic variants in this gene have been associated with autosomal recessive deafness 30. This variant introduces a premature termination codon in exon 32 out of 35 and is expected to result in loss of function, which is a known disease mechanism for MYO3A in this disorder (PVS1) (PMID:32006683) This variant has a 0.0045% maximum allele frequency in non-founder control populations (PM2). Based on the current evidence, this variant is classified as likely pathogenic for autosomal recessive deafness 30.

Labcorp Genetics (formerly Invitae), Labcorp
Classification: Pathogenic. Last evaluated: 2024-02-01. Review status: criteria provided, single submitter. Criteria: Invitae Variant Classification Sherloc (09022015). Collection method: clinical testing. Allele origin: germline.
Comment: This sequence change creates a premature translational stop signal (p.Cys1482Valfs*9) in the MYO3A gene. It is expected to result in an absent or disrupted protein product. Loss-of-function variants in MYO3A are known to be pathogenic (PMID: 12032315, 23990876). This variant is present in population databases (rs751960621, gnomAD 0.006%). This variant has not been reported in the literature in individuals affected with MYO3A-related conditions. For these reasons, this variant has been classified as Pathogenic.

Literature cited by the submitters: PubMed 32006683 (cited by Variantyx, Inc.); PubMed 12032315 (cited by Labcorp Genetics (formerly Invitae), Labcorp); PubMed 23990876 (cited by Labcorp Genetics (formerly Invitae), Labcorp).

NM_017433.5(MYO3A):c.4444del (p.Cys1482fs)

Gene: MYO3A (myosin IIIA; plus strand). Cytogenetic location: 10p12.1.
Variant type: Deletion.
Coding change: c.4444del on transcript NM_017433.5 (MANE Select); coding-DNA position 4444, one base deleted (T; older notation c.4444delT).
Protein change: p.Cys1482fs; shifts the reading frame from cysteine 1482.
Molecular consequence: frameshift variant.
Genome position (GRCh38, 1-based): chr10:26,193,210, T deleted. VCF-style (leftmost placement, unchanged base first): chr10-26193209-CT-C. GRCh37 (hg19) VCF-style: chr10-26482138-CT-C.
Other names: short protein forms C1482fs.
Identifiers: ClinVar variation 3614523 (VCV003614523.2).